The following is an entry in ClinVar:

ClinVar aggregate classification (germline): Uncertain significance. Review status: criteria provided, multiple submitters, no conflicts (2 of 4 stars). 2 submissions from 2 submitters: Uncertain significance (2). Last evaluated 2025-12-10.

Conditions:
Inborn genetic diseases. Identifiers: MedGen C0950123, MeSH D030342.

gnomAD v4.1: 5 of 1,611,736 alleles (0.00031%); highest among the groups gnomAD compares: Non-Finnish European, 0.00042%; no homozygotes.

Submissions (2):

Labcorp Genetics (formerly Invitae), Labcorp
Classification: Uncertain significance. Last evaluated: 2025-12-10. Review status: criteria provided, single submitter. Criteria: Invitae Variant Classification Sherloc (09022015). Collection method: clinical testing. Allele origin: germline.
Comment: This sequence change replaces leucine, which is neutral and non-polar, with methionine, which is neutral and non-polar, at codon 952 of the FLNB protein (p.Leu952Met). This variant is not present in population databases (gnomAD no frequency). This variant has not been reported in the literature in individuals affected with FLNB-related conditions. ClinVar contains an entry for this variant (Variation ID: 3850763). Invitae Evidence Modeling of protein sequence and biophysical properties (such as structural, functional, and spatial information, amino acid conservation, physicochemical variation, residue mobility, and thermodynamic stability) indicates that this missense variant is not expected to disrupt FLNB protein function with a negative predictive value of 95%. In summary, the available evidence is currently insufficient to determine the role of this variant in disease. Therefore, it has been classified as a Variant of Uncertain Significance.

Ambry Genetics
Classification: Uncertain significance for Inborn genetic diseases. Last evaluated: 2025-02-14. Review status: criteria provided, single submitter. Criteria: Ambry Variant Classification Scheme 2023. Collection method: clinical testing. Allele origin: germline.

NM_001457.4(FLNB):c.2854C>A (p.Leu952Met)

Gene: FLNB (filamin B; plus strand). Cytogenetic location: 3p14.3.
Variant type: single nucleotide variant.
Coding change: c.2854C>A on transcript NM_001457.4 (MANE Select); coding-DNA position 2854, C replaced by A.
Protein change: p.Leu952Met; replaces leucine 952 with methionine.
Molecular consequence: missense variant.
Genome position (GRCh38, 1-based): chr3:58,118,980, C>A. VCF-style: chr3-58118980-C-A. GRCh37 (hg19) VCF-style: chr3-58104707-C-A.
Other names: c.2854C>A, p.Leu952Met (NM_001164317.2, NM_001164318.2, NM_001164319.2); short protein forms L952M.
Identifiers: ClinVar variation 3850763 (VCV003850763.2).
Genomic context (GRCh38, chr3:58,118,980, plus strand): 5'-AGCCCTTTCACTGTGGGTGTTGCTGCACCGCTGGATCTGAGCAAGATAAAACTCAATGGG[C>A]TGGAAAACAGTAAGTGCCTGAATGGAGAGCAGATGGGTTGTTGATGACCCCCCAACGTGG-3'
Protein context (NP_001448.2, residues 942-962): LDLSKIKLNG[Leu952Met]ENRVEVGKDQ